The following is an entry in ClinVar:

NM_000494.4(COL17A1):c.3071-5G>A

Gene: COL17A1 (collagen type XVII alpha 1 chain; minus strand). Cytogenetic location: 10q25.1.
Variant type: single nucleotide variant.
Coding change: c.3071-5G>A on transcript NM_000494.4 (MANE Select); 5 bases into the intron before coding-DNA position 3071, G replaced by A.
Molecular consequence: intron variant.
Genome position (GRCh38, 1-based): chr10:104,037,778, C>T on the plus strand (G>A on the coding strand, the complement: COL17A1 is on the minus strand). VCF-style: chr10-104037778-C-T. GRCh37 (hg19) VCF-style: chr10-105797536-C-T.
Identifiers: ClinVar variation 931122 (VCV000931122.3), dbSNP rs370589324, ClinGen allele CA5678098.
Genomic context (GRCh38, chr10:104,037,778, plus strand): 5'-ACCAGGTGGGCCTGGGGGACCCTGAACTCCGGATAGGTAAGATCTAATACTGTCACCTGC[C>T]GACCAAGGAACAAAGCAAAGTCAAGCCTGTCCCAAGAGGACATGTTCTCCCCACGGAGGT-3'

ClinVar aggregate classification (germline): Uncertain significance (1 of 4 stars; one submission).

Conditions:
Epithelial recurrent erosion dystrophy (ERED). Also called: CORNEAL EROSIONS, RECURRING HEREDITARY. Identifiers: Orphanet 293381, MedGen C1852551, MONDO:0007381, OMIM 122400.

Allele frequency attached by ClinVar (database versions not stated): gnomAD below 0.00001 and 0.00001; gnomAD exomes 0.00003 and 0.00006; TOPMed 0.00003; ExAC 0.00004; ESP Exome Variant Server 0.00015.
gnomAD v4.1: 95 of 1,613,420 alleles (0.0059%); highest among the groups gnomAD compares: Non-Finnish European, 0.0071%; no homozygotes.

Submission:

Centre for Mendelian Genomics, University Medical Centre Ljubljana
Classification: Uncertain significance for Epithelial recurrent erosion dystrophy. Last evaluated: 2019-04-03. Review status: criteria provided, single submitter. Criteria: ACMG Guidelines, 2015. Collection method: clinical testing. Allele origin: unknown. Affected: yes.
Comment: This variant was classified as: Uncertain significance. The available evidence favors the pathogenic nature of this variant, however the currently available data is insufficient to conclusively support its pathogenic nature. Thus this variant is classified as Uncertain significance - favor pathogenic. The following ACMG criteria were applied in classifying this variant: PP3,PP4.